The following is an entry in ClinVar:

NM_000455.5(STK11):c.373dup (p.Met125fs)

Gene: STK11 (serine/threonine kinase 11; plus strand). Cytogenetic location: 19p13.3.
Variant type: Duplication.
Coding change: c.373dup on transcript NM_000455.5 (MANE Select); coding-DNA position 373, one base duplicated (A; older notation c.373dupA).
Protein change: p.Met125fs; shifts the reading frame from methionine 125.
Molecular consequence: frameshift variant.
Genome position (GRCh38, 1-based): chr19:1,218,499, A duplicated; the last of 4 consecutive A bases (chr19:1,218,496-1,218,499); duplicating any one gives the same sequence. VCF-style (leftmost placement, unchanged base first): chr19-1218495-G-GA. GRCh37 (hg19) VCF-style: chr19-1218494-G-GA.
Other names: c.373dupA (NM_000455.4); short protein forms M125fs.
Identifiers: ClinVar variation 428791 (VCV000428791.5), dbSNP rs1131690952, ClinGen allele CA645369769.
Genomic context (GRCh38, chr19:1,218,495, plus strand): 5'-GAGGTTACGGCACAAAAATGTCATCCAGCTGGTGGATGTGTTATACAACGAAGAGAAGCA[G>GA]AAAATATATCCTTTCCGGTGTTGGGACCGCGGGGCCTCCGTGGGAGGGGCTGGGGCCCTG-3'

ClinVar aggregate classification (germline): Pathogenic (1 of 4 stars; one submission).

Conditions:
Hereditary cancer-predisposing syndrome. Also called: Hereditary Cancer Syndrome; Neoplastic Syndromes, Hereditary; Hereditary neoplastic syndrome; Tumor predisposition. Identifiers: Orphanet 140162, MedGen C0027672, MeSH D009386, MONDO:0015356.

Submission:

Ambry Genetics
Classification: Pathogenic for Hereditary cancer-predisposing syndrome. Last evaluated: 2015-10-30. Review status: criteria provided, single submitter. Criteria: Ambry Variant Classification Scheme 2023. Collection method: clinical testing. Allele origin: germline.
Comment: The c.373dupA pathogenic mutation, located in coding exon 2 of the STK11 gene, results from a duplication of A at nucleotide position 373, causing a translational frameshift with a predicted alternate stop codon. Since frameshifts are typically deleterious in nature, this alteration is interpreted as a disease-causing mutation (ACMG Recommendations for Standards for Interpretation and Reporting of Sequence Variations. Revision 2007. Genet Med. 2008;10:294).